The following is an entry in ClinVar:

NM_080911.3(UNG):c.452T>C (p.Leu151Pro)

Gene: UNG (uracil DNA glycosylase; plus strand). Cytogenetic location: 12q24.11.
Variant type: single nucleotide variant.
Coding change: c.452T>C on transcript NM_080911.3 (MANE Select); coding-DNA position 452, T replaced by C.
Protein change: p.Leu151Pro; replaces leucine 151 with proline.
Molecular consequence: missense variant.
Genome position (GRCh38, 1-based): chr12:109,101,918, T>C. VCF-style: chr12-109101918-T-C. GRCh37 (hg19) VCF-style: chr12-109539723-T-C.
Other names: c.425T>C, p.Leu142Pro (NM_003362.4); short protein forms L142P, L151P.
Identifiers: ClinVar variation 999002 (VCV000999002.6), dbSNP rs746462706, ClinGen allele CA243397272.

ClinVar aggregate classification (germline): Uncertain significance (1 of 4 stars; one submission).

Conditions:
Hyper-IgM syndrome type 5 (HIGM5). Also called: Hyper-IgM Immunodeficiency Syndrome, Type 5. Identifiers: Orphanet 101092, MedGen C1720958, MONDO:0011971, OMIM 608106.

Allele frequency attached by ClinVar (database versions not stated): gnomAD exomes 0.00002; gnomAD 0.00003 and 0.00004; TOPMed 0.00003.
gnomAD v4.1: 39 of 1,613,936 alleles (0.0024%); highest among the groups gnomAD compares: Non-Finnish European, 0.0032%; no homozygotes.

Submission:

Labcorp Genetics (formerly Invitae), Labcorp
Classification: Uncertain significance for Hyper-IgM syndrome type 5. Last evaluated: 2023-06-14. Review status: criteria provided, single submitter. Criteria: Invitae Variant Classification Sherloc (09022015). Collection method: clinical testing. Allele origin: germline.
Comment: This sequence change replaces leucine, which is neutral and non-polar, with proline, which is neutral and non-polar, at codon 151 of the UNG protein (p.Leu151Pro). This variant is not present in population databases (gnomAD no frequency). In summary, the available evidence is currently insufficient to determine the role of this variant in disease. Therefore, it has been classified as a Variant of Uncertain Significance. Advanced modeling of protein sequence and biophysical properties (such as structural, functional, and spatial information, amino acid conservation, physicochemical variation, residue mobility, and thermodynamic stability) performed at Invitae indicates that this missense variant is expected to disrupt UNG protein function. ClinVar contains an entry for this variant (Variation ID: 999002). This variant has not been reported in the literature in individuals affected with UNG-related conditions.